The following is an entry in ClinVar:

ClinVar aggregate classification (germline): Conflicting classifications of pathogenicity. Review status: criteria provided, conflicting classifications (1 of 4 stars). 12 submissions from 12 submitters: Uncertain significance (3); Benign (2); Likely benign (3). 4 of the submissions do not count toward it. Last evaluated 2026-07-01.

Conditions:
Retinal dystrophy. Also called: Inherited retinal dystrophy. Identifiers: Orphanet 71862, MedGen C0854723, MeSH D058499, MONDO:0019118, HP:0000556.
Retinitis pigmentosa (RP). Identifiers: Orphanet 791, MedGen C0035334, MeSH D012174, MONDO:0019200, OMIM 268000. Inheritance: Autosomal dominant, autosomal recessive and X linked inheritance.

Allele frequency attached by ClinVar (database versions not stated): 1000 Genomes Project 0.00180; 1000 Genomes Project 30x 0.00219; TOPMed 0.00284; ExAC 0.00302; gnomAD 0.00309 and 0.00310; gnomAD exomes 0.00314 and 0.00496; ESP Exome Variant Server 0.00361.
gnomAD v4.1: 7,667 of 1,613,372 alleles (0.48%); highest among the groups gnomAD compares: Non-Finnish European, 0.57%; 35 homozygotes.

Submissions (12):

CeGaT Center for Human Genetics Tuebingen
Classification: Likely benign. Last evaluated: 2026-07-01. Review status: criteria provided, single submitter. Criteria: CeGaT Center For Human Genetics Tuebingen Variant Classification Criteria Version 2. Collection method: clinical testing. Allele origin: germline. Affected: yes. Observed: 4 variant alleles.
Comment: PDE6A: BS2

Labcorp Genetics (formerly Invitae), Labcorp
Classification: Likely benign. Last evaluated: 2026-02-02. Review status: criteria provided, single submitter. Criteria: Invitae Variant Classification Sherloc (09022015). Collection method: clinical testing. Allele origin: germline.

Blueprint Genetics
Classification: Likely benign. Last evaluated: 2024-11-21. Review status: criteria provided, single submitter. Criteria: ACMG Guidelines, 2015. Collection method: clinical testing. Allele origin: germline.

Dept Of Ophthalmology, Nagoya University
Classification: Uncertain significance for Retinal dystrophy. Last evaluated: 2023-10-01. Review status: criteria provided, single submitter. Criteria: Submitter's publication. Collection method: research. Allele origin: germline. Affected: yes.

Institute of Human Genetics, Univ. Regensburg, Univ. Regensburg
Classification: Uncertain significance for Retinal dystrophy. Last evaluated: 2022-01-01. Review status: criteria provided, single submitter. Criteria: ACMG Guidelines, 2015. Collection method: clinical testing. Allele origin: germline. Affected: yes.

Mendelics
Classification: Benign for Retinitis pigmentosa. Last evaluated: 2019-05-28. Review status: criteria provided, single submitter. Criteria: Mendelics Assertion Criteria 2017. Collection method: clinical testing. Allele origin: unknown.

Illumina Laboratory Services, Illumina
Classification: Uncertain significance for Retinitis pigmentosa. Last evaluated: 2018-01-13. Review status: criteria provided, single submitter. Criteria: ICSL Variant Classification Criteria 13 December 2019. Collection method: clinical testing. Allele origin: germline.

Eurofins Ntd Llc (ga)
Classification: Benign. Last evaluated: 2015-04-10. Review status: criteria provided, single submitter. Criteria: EGL Classification Definitions 2015. Collection method: clinical testing. Allele origin: germline. Observed: 4 variant alleles, 4 heterozygotes.

Department of Clinical Genetics, Copenhagen University Hospital, Rigshospitalet
Classification: Likely pathogenic for Retinitis pigmentosa. Last evaluated: 2018-04-01. Review status: no assertion criteria provided. Collection method: research. Allele origin: unknown. Affected: yes. Study: VeluxRD. Not counted in ClinVar's aggregate classification.

Clinical Genetics, Academic Medical Center
Classification: Benign. Review status: no assertion criteria provided. Collection method: clinical testing. Allele origin: germline. Affected: yes. Study: VKGL Data-share Consensus. Not counted in ClinVar's aggregate classification.

Department of Pathology and Laboratory Medicine, Sinai Health System
Classification: Likely benign. Review status: no assertion criteria provided. Collection method: clinical testing. Allele origin: unknown. Affected: yes. Study: The Canadian Open Genetics Repository (COGR). Not counted in ClinVar's aggregate classification.
Comment: The PDE6A p.Pro293Leu variant was identified in the literature in two patients with retinitis pigementosa: in one case the variant was identfiied as a heterozygous variant with no second variant identified, and in the second case the variant was identified as a homozygous variant however the patient was also homozygous for the known pathogenic p.Val685Met variant (Dryja_1999_PMID: 10393062 and Anasagasti_2013_PMID: 24416769). The variant was identified in dbSNP (ID: rs114973968) and ClinVar (classified as benign by EGL Genetic Diagnostics and Mendelics, as likely benign by Invitae, and as likely pathogenic by Medical Genetics Laboratory Kennedy Center). The variant was identified in control databases in 904 of 282780 chromosomes (1 homozygous) at a frequency of 0.003197 increasing the likelihood this could be a low frequency benign variant (Genome Aggregation Database March 6, 2019, v2.1.1). The variant was observed in the following populations: European (non-Finnish) in 666 of 129142 chromosomes (freq: 0.005157), Other in 17 of 7226 chromosomes (freq: 0.002353), Latino in 81 of 35432 chromosomes (freq: 0.002286), South Asian in 65 of 30598 chromosomes (freq: 0.002124), European (Finnish) in 31 of 25114 chromosomes (freq: 0.001234), East Asian in 20 of 19952 chromosomes (freq: 0.001002), African in 20 of 24950 chromosomes (freq: 0.000802), and Ashkenazi Jewish in 4 of 10366 chromosomes (freq: 0.000386). Although the p.Pro293 residue is not conserved in mammals and other organisms, computational analyses (PolyPhen-2, SIFT, AlignGVGD, BLOSUM, MutationTaster) suggest that the variant may impact the protein. The variant occurs outside of the splicing consensus sequence and in silico or computational prediction software programs (SpliceSiteFinder, MaxEntScan, NNSPLICE, GeneSplicer) do not predict a difference in splicing. In summary, based on the above information the clinical significance of this variant cannot be determined with certainty at this time although we would lean towards a more benign role for this variant. This variant is classified as likely benign.

Diagnostic Laboratory, Department of Genetics, University Medical Center Groningen
Classification: Likely benign. Review status: no assertion criteria provided. Collection method: clinical testing. Allele origin: germline. Affected: yes. Study: VKGL Data-share Consensus. Not counted in ClinVar's aggregate classification.

Literature cited by the submitters: PubMed 24416769 (cited by Institute of Human Genetics, Univ. Regensburg, Univ. Regensburg); PubMed 27884173 (cited by Institute of Human Genetics, Univ. Regensburg, Univ. Regensburg); PubMed 31429209 (cited by Institute of Human Genetics, Univ. Regensburg, Univ. Regensburg); PubMed 32579692 (cited by Institute of Human Genetics, Univ. Regensburg, Univ. Regensburg); PubMed 30718709 (cited by Department of Clinical Genetics, Copenhagen University Hospital, Rigshospitalet).

NM_000440.3(PDE6A):c.878C>T (p.Pro293Leu)

Gene: PDE6A (phosphodiesterase 6A; minus strand). Cytogenetic location: 5q32.
Variant type: single nucleotide variant.
Coding change: c.878C>T on transcript NM_000440.3 (MANE Select); coding-DNA position 878, C replaced by T.
Protein change: p.Pro293Leu; replaces proline 293 with leucine.
Molecular consequence: missense variant.
Genome position (GRCh38, 1-based): chr5:149,921,690, G>A on the plus strand (C>T on the coding strand, the complement: PDE6A is on the minus strand). VCF-style: chr5-149921690-G-A. GRCh37 (hg19) VCF-style: chr5-149301253-G-A.
Other names: short protein forms P293L.
Identifiers: ClinVar variation 197670 (VCV000197670.50), dbSNP rs114973968, ClinGen allele CA203011.